The following is an entry in ClinVar:

ClinVar aggregate classification (germline): Uncertain significance (1 of 4 stars; one submission).

Submission:

Labcorp Genetics (formerly Invitae), Labcorp
Classification: Uncertain significance. Last evaluated: 2025-12-28. Review status: criteria provided, single submitter. Criteria: Invitae Variant Classification Sherloc (09022015). Collection method: clinical testing. Allele origin: germline.
Comment: This sequence change replaces aspartic acid, which is acidic and polar, with glycine, which is neutral and non-polar, at codon 53 of the IRF9 protein (p.Asp53Gly). This variant is not present in population databases (gnomAD no frequency). This variant has not been reported in the literature in individuals affected with IRF9-related conditions. An algorithm developed to predict the effect of missense changes on protein structure and function (PolyPhen-2) suggests that this variant is likely to be disruptive. Algorithms developed to predict the effect of sequence changes on RNA splicing suggest that this variant may create or strengthen a splice site. In summary, the available evidence is currently insufficient to determine the role of this variant in disease. Therefore, it has been classified as a Variant of Uncertain Significance.

NM_006084.5(IRF9):c.158A>G (p.Asp53Gly)

Gene: IRF9 (interferon regulatory factor 9; plus strand). Cytogenetic location: 14q12.
Variant type: single nucleotide variant.
Coding change: c.158A>G on transcript NM_006084.5 (MANE Select); coding-DNA position 158, A replaced by G.
Protein change: p.Asp53Gly; replaces aspartic acid 53 with glycine.
Molecular consequence: missense variant.
Genome position (GRCh38, 1-based): chr14:24,162,302, A>G. VCF-style: chr14-24162302-A-G. GRCh37 (hg19) VCF-style: chr14-24631511-A-G.
Other names: c.158A>G, p.Asp53Gly (NM_001385400.1, NM_001385401.1, NM_001385402.1); short protein forms D53G.
Identifiers: ClinVar variation 4720797 (VCV004720797.1).
Genomic context (GRCh38, chr14:24,162,302, plus strand): 5'-CAGCTAAGACCATGTTCCGGATTCCCTGGAAACATGCAGGCAAGCAGGACTTCCGGGAGG[A>G]CCAGGATGCTGCCTTCTTCAAGGTGAAAGGGCCTGGAAACCACTGTTCCTCTGTGTGTGG-3'
Protein context (NP_006075.3, residues 43-63): KHAGKQDFRE[Asp53Gly]QDAAFFKAWA